The following is an entry in ClinVar:

NM_033380.3(COL4A5):c.467G>T (p.Gly156Val)

Gene: COL4A5 (collagen type IV alpha 5 chain; plus strand). Cytogenetic location: Xq22.3.
Variant type: single nucleotide variant.
Coding change: c.467G>T on transcript NM_033380.3 (MANE Select); coding-DNA position 467, G replaced by T.
Protein change: p.Gly156Val; replaces glycine 156 with valine.
Molecular consequence: missense variant.
Genome position (GRCh38, 1-based): chrX:108,573,575, G>T. VCF-style: chrX-108573575-G-T. GRCh37 (hg19) VCF-style: chrX-107816805-G-T.
Other names: c.467G>T, p.Gly156Val (NM_000495.5); short protein forms G156V.
Identifiers: ClinVar variation 955456 (VCV000955456.10), dbSNP rs2066099190, ClinGen allele CA413920707.

ClinVar aggregate classification (germline): Uncertain significance (1 of 4 stars; one submission).

Submissions (2):

Labcorp Genetics (formerly Invitae), Labcorp
Classification: Uncertain significance. Last evaluated: 2019-11-07. Review status: criteria provided, single submitter. Criteria: Invitae Variant Classification Sherloc (09022015). Collection method: clinical testing. Allele origin: germline.
Comment: In summary, the available evidence is currently insufficient to determine the role of this variant in disease. Therefore, it has been classified as a Variant of Uncertain Significance. This variant disrupts the p.Gly156 amino acid residue in COL4A5. Other variant(s) that disrupt this residue have been observed in individuals with COL4A5-related conditions (PMID: 20378821), which suggests that this may be a clinically significant amino acid residue. This variant has been observed in individual(s) with clinical features of Alport syndrome (Invitae). This variant is not present in population databases (ExAC no frequency). This sequence change replaces glycine with valine at codon 156 of the COL4A5 protein (p.Gly156Val). The glycine residue is highly conserved and there is a moderate physicochemical difference between glycine and valine.

Dr. Peter K. Rogan Lab, Western University
No classification provided (evidence only). Condition: Thyroid cancer, nonmedullary, 1. Review status: no classification provided. Collection method: in vitro. Allele origin: not applicable. Functional consequence: retained intron. Not counted in ClinVar's aggregate classification.

Literature cited by the submitters: PubMed 20378821 (cited by Labcorp Genetics (formerly Invitae), Labcorp).